The following is an entry in ClinVar:

ClinVar aggregate classification (germline): Likely benign. Review status: criteria provided, multiple submitters, no conflicts (2 of 4 stars). 4 submissions from 4 submitters: Likely benign (4). Last evaluated 2025-10-09.

Conditions:
Ataxia-telangiectasia-like disorder (ATLD). Identifiers: MedGen C1858391, MONDO:0011457.
Hereditary cancer-predisposing syndrome. Also called: Neoplastic Syndromes, Hereditary; Hereditary Cancer Syndrome; Tumor predisposition; Hereditary neoplastic syndrome. Identifiers: Orphanet 140162, MedGen C0027672, MeSH D009386, MONDO:0015356.

Allele frequency attached by ClinVar (database versions not stated): gnomAD exomes below 0.00001 and 0.00001; gnomAD 0.00001; TOPMed 0.00002.
gnomAD v4.1: 16 of 1,613,738 alleles (0.00099%); highest among the groups gnomAD compares: Middle Eastern, 0.017%; no homozygotes.

Submissions (4):

Labcorp Genetics (formerly Invitae), Labcorp
Classification: Likely benign for Ataxia-telangiectasia-like disorder. Last evaluated: 2025-10-09. Review status: criteria provided, single submitter. Criteria: Invitae Variant Classification Sherloc (09022015). Collection method: clinical testing. Allele origin: germline.

Blueprint Genetics
Classification: Likely benign. Last evaluated: 2024-09-11. Review status: criteria provided, single submitter. Criteria: ACMG Guidelines, 2015. Collection method: clinical testing. Allele origin: germline.

CeGaT Center for Human Genetics Tuebingen
Classification: Likely benign. Last evaluated: 2024-01-01. Review status: criteria provided, single submitter. Criteria: CeGaT Center For Human Genetics Tuebingen Variant Classification Criteria Version 2. Collection method: clinical testing. Allele origin: germline. Affected: yes. Observed: 1 variant allele.
Comment: MRE11: BP4, BP7

Ambry Genetics
Classification: Likely benign for Hereditary cancer-predisposing syndrome. Last evaluated: 2015-06-28. Review status: criteria provided, single submitter. Criteria: Ambry Variant Classification Scheme 2023. Collection method: clinical testing. Allele origin: germline.

NM_005591.4(MRE11):c.2043G>A (p.Ser681=)

Gene: MRE11 (MRE11 double strand break repair nuclease; minus strand). Cytogenetic location: 11q21.
Variant type: single nucleotide variant.
Coding change: c.2043G>A on transcript NM_005591.4 (MANE Select); coding-DNA position 2043, G replaced by A.
Protein change: p.Ser681=; no amino-acid change (serine 681 retained).
Molecular consequence: synonymous variant.
Genome position (GRCh38, 1-based): chr11:94,429,938, C>T on the plus strand (G>A on the coding strand, the complement: MRE11 is on the minus strand). VCF-style: chr11-94429938-C-T. GRCh37 (hg19) VCF-style: chr11-94163104-C-T.
Other names: c.2040G>A, p.Ser680= (NM_001330347.2); c.1959G>A, p.Ser653= (NM_005590.4).
Identifiers: ClinVar variation 232613 (VCV000232613.37), dbSNP rs876659873, ClinGen allele CA10579357.